The following is an entry in ClinVar:

NM_201384.3(PLEC):c.1589C>T (p.Ala530Val)

Gene: PLEC (plectin; minus strand). Cytogenetic location: 8q24.3.
Variant type: single nucleotide variant.
Coding change: c.1589C>T on transcript NM_201384.3 (MANE Select); coding-DNA position 1589, C replaced by T.
Protein change: p.Ala530Val; replaces alanine 530 with valine.
Molecular consequence: missense variant.
Genome position (GRCh38, 1-based): chr8:143,932,941, G>A on the plus strand (C>T on the coding strand, the complement: PLEC is on the minus strand). VCF-style: chr8-143932941-G-A. GRCh37 (hg19) VCF-style: chr8-145007109-G-A.
Other names: c.1670C>T, p.Ala557Val (NM_000445.5); c.1547C>T, p.Ala516Val (NM_201378.4); c.1523C>T, p.Ala508Val (NM_201379.3); c.2000C>T, p.Ala667Val (NM_201380.4); c.1493C>T, p.Ala498Val (NM_201381.3); c.1589C>T, p.Ala530Val (NM_201382.4); c.1601C>T, p.Ala534Val (NM_201383.3); short protein forms A508V, A530V, A498V, A516V, A557V, A667V, A534V.
Identifiers: ClinVar variation 968441 (VCV000968441.3), dbSNP rs548123598, ClinGen allele CA187622111.

ClinVar aggregate classification (germline): Uncertain significance (1 of 4 stars; one submission).

Conditions:
Epidermolysis bullosa simplex 5B, with muscular dystrophy (EBS5B). Also called: Epidermolysis bullosa simplex with muscular dystrophy; EPIDERMOLYSIS BULLOSA SIMPLEX AND LIMB-GIRDLE MUSCULAR DYSTROPHY. Identifiers: Orphanet 257, MedGen C2931072, MONDO:0009181, OMIM 226670.
Autosomal recessive limb-girdle muscular dystrophy type 2Q (LGMDR17). Also called: MUSCULAR DYSTROPHY, LIMB-GIRDLE, AUTOSOMAL RECESSIVE 17. Identifiers: Orphanet 254361, MedGen C3150989, MONDO:0013390, OMIM 613723.
Epidermolysis bullosa simplex with nail dystrophy (EBS5D). Identifiers: MedGen C4225309, MONDO:0014661, OMIM 616487.
Epidermolysis bullosa simplex 5C, with pyloric atresia (EBS5C). Also called: PLEC-Related Epidermolysis Bullosa with Pyloric Atresia; Epidermolysis bullosa simplex with pyloric atresia; PLEC1-Related Epidermolysis Bullosa with Pyloric Atresia. Identifiers: Orphanet 158684, MedGen C2677349, MONDO:0012807, OMIM 612138.
Epidermolysis bullosa simplex, Ogna type (EBS5A). Also called: Pidermolysis bullosa simplex 5A, Ogna type; EPIDERMOLYSIS BULLOSA SIMPLEX 5A, OGNA TYPE. Identifiers: Orphanet 79401, MedGen C0432317, MONDO:0007555, OMIM 131950.

Allele frequency attached by ClinVar (database versions not stated): gnomAD exomes 0.00001; 1000 Genomes Project 30x 0.00031; 1000 Genomes Project 0.00040.
gnomAD v4.1: 2 of 1,612,690 alleles (0.00012%); highest among the groups gnomAD compares: African/African-American, 0.0027%; no homozygotes.

Submission:

Labcorp Genetics (formerly Invitae), Labcorp
Classification: Uncertain significance for Autosomal recessive limb-girdle muscular dystrophy type 2Q; Epidermolysis bullosa simplex, Ogna type; Epidermolysis bullosa simplex with nail dystrophy; Epidermolysis bullosa simplex 5C, with pyloric atresia; Epidermolysis bullosa simplex 5B, with muscular dystrophy. Last evaluated: 2021-09-01. Review status: criteria provided, single submitter. Criteria: Invitae Variant Classification Sherloc (09022015). Collection method: clinical testing. Allele origin: germline.
Comment: This sequence change replaces alanine with valine at codon 557 of the PLEC protein (p.Ala557Val). The alanine residue is moderately conserved and there is a small physicochemical difference between alanine and valine. This variant is not present in population databases (ExAC no frequency). This variant has not been reported in the literature in individuals affected with PLEC-related conditions. Algorithms developed to predict the effect of sequence changes on RNA splicing suggest that this variant may create or strengthen a splice site. In summary, the available evidence is currently insufficient to determine the role of this variant in disease. Therefore, it has been classified as a Variant of Uncertain Significance.